The following is an entry in ClinVar:

NM_000264.5(PTCH1):c.3295C>G (p.His1099Asp)

Gene: PTCH1 (patched 1; minus strand). Cytogenetic location: 9q22.32.
Variant type: single nucleotide variant.
Coding change: c.3295C>G on transcript NM_000264.5 (MANE Select); coding-DNA position 3295, C replaced by G.
Protein change: p.His1099Asp; replaces histidine 1099 with aspartic acid.
Molecular consequence: missense variant. On other transcripts: non-coding transcript variant (1).
Genome position (GRCh38, 1-based): chr9:95,456,287, G>C on the plus strand (C>G on the coding strand, the complement: PTCH1 is on the minus strand). VCF-style: chr9-95456287-G-C. GRCh37 (hg19) VCF-style: chr9-98218569-G-C.
Other names: c.3097C>G, p.His1033Asp (NM_001083602.3); c.3292C>G, p.His1098Asp (NM_001083603.3); c.2842C>G, p.His948Asp (NM_001083604.3, NM_001083605.3, NM_001083606.3 and 1 more transcripts); c.3139C>G, p.His1047Asp (NM_001354918.2); c.3295C>G (NM_000264.3); short protein forms H1033D, H1047D, H1098D, H1099D, H948D.
Identifiers: ClinVar variation 648236 (VCV000648236.17), dbSNP rs1426410745, ClinGen allele CA374111973.

ClinVar aggregate classification (germline): Uncertain significance. Review status: criteria provided, multiple submitters, no conflicts (2 of 4 stars). 3 submissions from 3 submitters: Uncertain significance (3). Last evaluated 2026-05-27.

Conditions:
Hereditary cancer-predisposing syndrome. Also called: Tumor predisposition; Hereditary Cancer Syndrome; Neoplastic Syndromes, Hereditary; Hereditary neoplastic syndrome. Identifiers: Orphanet 140162, MedGen C0027672, MeSH D009386, MONDO:0015356.
Gorlin syndrome. Also called: Basal cell nevus syndrome; Nevoid Basal Cell Carcinoma Syndrome. Identifiers: Orphanet 377, MedGen C0004779, MONDO:0007187.
Basal cell carcinoma, susceptibility to, 1. Also called: BCC1. Identifiers: MedGen C2751544, MONDO:0011556, OMIM 605462.

Allele frequency attached by ClinVar (database versions not stated): gnomAD exomes below 0.00001; TOPMed below 0.00001; gnomAD 0.00001.
gnomAD v4.1: 4 of 1,613,782 alleles (0.00025%); highest among the groups gnomAD compares: Non-Finnish European, 0.00034%; no homozygotes.

Submissions (3):

Ambry Genetics
Classification: Uncertain significance for Hereditary cancer-predisposing syndrome. Last evaluated: 2026-05-27. Review status: criteria provided, single submitter. Criteria: Ambry Variant Classification Scheme 2023. Collection method: clinical testing. Allele origin: germline.
Comment: The p.H1099D variant (also known as c.3295C>G), located in coding exon 19 of the PTCH1 gene, results from a C to G substitution at nucleotide position 3295. The histidine at codon 1099 is replaced by aspartic acid, an amino acid with similar properties. This amino acid position is conserved. In addition, this alteration is predicted to be deleterious by in silico analysis. Based on the available evidence, the clinical significance of this variant remains unclear.

Labcorp Genetics (formerly Invitae), Labcorp
Classification: Uncertain significance for Gorlin syndrome. Last evaluated: 2024-01-27. Review status: criteria provided, single submitter. Criteria: Invitae Variant Classification Sherloc (09022015). Collection method: clinical testing. Allele origin: germline.
Comment: This sequence change replaces histidine, which is basic and polar, with aspartic acid, which is acidic and polar, at codon 1099 of the PTCH1 protein (p.His1099Asp). This variant is not present in population databases (gnomAD no frequency). This variant has not been reported in the literature in individuals affected with PTCH1-related conditions. ClinVar contains an entry for this variant (Variation ID: 648236). Advanced modeling of protein sequence and biophysical properties (such as structural, functional, and spatial information, amino acid conservation, physicochemical variation, residue mobility, and thermodynamic stability) has been performed at Invitae for this missense variant, however the output from this modeling did not meet the statistical confidence thresholds required to predict the impact of this variant on PTCH1 protein function. In summary, the available evidence is currently insufficient to determine the role of this variant in disease. Therefore, it has been classified as a Variant of Uncertain Significance.

Baylor Genetics
Classification: Uncertain significance for Basal cell carcinoma, susceptibility to, 1. Last evaluated: 2023-08-02. Review status: criteria provided, single submitter. Criteria: ACMG Guidelines, 2015. Collection method: clinical testing. Allele origin: unknown.